The following is an entry in ClinVar:

NC_000017.10:g.(?_29527428)_(29592367_?)del

Gene: NF1 (neurofibromin 1; plus strand). Cytogenetic location: 17q11.2.
Variant type: Deletion.
Identifiers: ClinVar variation 2422750 (VCV002422750.3).

ClinVar aggregate classification (germline): Pathogenic (1 of 4 stars; one submission).

Conditions:
Neurofibromatosis, type 1 (NF1). Also called: Peripheral type neurofibromatosis; VON RECKLINGHAUSEN DISEASE; NEUROFIBROMATOSIS, TYPE I, SOMATIC; Neurofibromatosis, type I. Identifiers: Orphanet 636, MedGen C0027831, MONDO:0018975, OMIM 162200. Disease mechanism: loss of function.

Submission:

Labcorp Genetics (formerly Invitae), Labcorp
Classification: Pathogenic for Neurofibromatosis, type 1. Last evaluated: 2022-09-14. Review status: criteria provided, single submitter. Criteria: Invitae Variant Classification Sherloc (09022015). Collection method: clinical testing. Allele origin: germline.
Comment: This variant is a gross deletion of the genomic region encompassing exon(s) 9-35 of the NF1 gene. This deletion is out-of-frame, and is expected to create a premature termination codon and result in an absent or disrupted protein product. Loss-of-function variants in NF1 are known to be pathogenic (PMID: 10712197, 23913538). This variant has not been reported in the literature in individuals affected with NF1-related conditions. For these reasons, this variant has been classified as Pathogenic.

Literature cited by the submitters: PubMed 10712197; PubMed 23913538.